The following is an entry in ClinVar:

ClinVar aggregate classification (germline): Uncertain significance (1 of 4 stars; one submission).

gnomAD v4.1: 9 of 1,614,072 alleles (0.00056%); highest among the groups gnomAD compares: Admixed American, 0.0017%; no homozygotes.

Submission:

Labcorp Genetics (formerly Invitae), Labcorp
Classification: Uncertain significance. Last evaluated: 2024-05-02. Review status: criteria provided, single submitter. Criteria: Invitae Variant Classification Sherloc (09022015). Collection method: clinical testing. Allele origin: germline.
Comment: This sequence change replaces serine, which is neutral and polar, with glycine, which is neutral and non-polar, at codon 233 of the KCNQ5 protein (p.Ser233Gly). This variant is present in population databases (no rsID available, gnomAD 0.002%). This variant has not been reported in the literature in individuals affected with KCNQ5-related conditions. Advanced modeling of protein sequence and biophysical properties (such as structural, functional, and spatial information, amino acid conservation, physicochemical variation, residue mobility, and thermodynamic stability) performed at Invitae indicates that this missense variant is not expected to disrupt KCNQ5 protein function with a negative predictive value of 80%. In summary, the available evidence is currently insufficient to determine the role of this variant in disease. Therefore, it has been classified as a Variant of Uncertain Significance.

NM_019842.4(KCNQ5):c.697A>G (p.Ser233Gly)

Gene: KCNQ5 (potassium voltage-gated channel subfamily Q member 5; plus strand). Cytogenetic location: 6q13.
Variant type: single nucleotide variant.
Coding change: c.697A>G on transcript NM_019842.4 (MANE Select); coding-DNA position 697, A replaced by G.
Protein change: p.Ser233Gly; replaces serine 233 with glycine.
Molecular consequence: missense variant.
Genome position (GRCh38, 1-based): chr6:73,077,402, A>G. VCF-style: chr6-73077402-A-G. GRCh37 (hg19) VCF-style: chr6-73787125-A-G.
Other names: c.697A>G, p.Ser233Gly (NM_001160130.2, NM_001160132.2, NM_001160133.2 and 1 more transcripts); short protein forms S233G.
Identifiers: ClinVar variation 3603502 (VCV003603502.2).